The following is an entry in ClinVar:

ClinVar aggregate classification (germline): Uncertain significance (1 of 4 stars; one submission).

Submission:

CeGaT Center for Human Genetics Tuebingen
Classification: Uncertain significance. Last evaluated: 2024-09-01. Review status: criteria provided, single submitter. Criteria: CeGaT Center For Human Genetics Tuebingen Variant Classification Criteria Version 2. Collection method: clinical testing. Allele origin: germline. Affected: yes. Observed: 1 variant allele.
Comment: COL4A1: PM2

NM_001845.6(COL4A1):c.1629A>T (p.Lys543Asn)

Gene: COL4A1 (collagen type IV alpha 1 chain; minus strand). Cytogenetic location: 13q34.
Variant type: single nucleotide variant.
Coding change: c.1629A>T on transcript NM_001845.6 (MANE Select); coding-DNA position 1629, A replaced by T.
Protein change: p.Lys543Asn; replaces lysine 543 with asparagine.
Molecular consequence: missense variant.
Genome position (GRCh38, 1-based): chr13:110,187,237, T>A on the plus strand (A>T on the coding strand, the complement: COL4A1 is on the minus strand). VCF-style: chr13-110187237-T-A. GRCh37 (hg19) VCF-style: chr13-110839584-T-A.
Other names: short protein forms K543N.
Identifiers: ClinVar variation 3389586 (VCV003389586.14).
Genomic context (GRCh38, chr13:110,187,237, plus strand): 5'-TCTTCCAGGAGAACCCGCTCTCCCTGGCATGCCGGGCTGTCCTGGAAAGCCTGGGTCTCC[T>A]TTGTCACCTTTGAGCCGCAAGTCGAAATAAAACTCACCAGGCTCCCCCTTGGCTCCTGGC-3'
Protein context (NP_001836.3, residues 533-553): FYFDLRLKGD[Lys543Asn]GDPGFPGQPG